The following is an entry in ClinVar:

NM_000180.4(GUCY2D):c.323C>T (p.Pro108Leu)

Gene: GUCY2D (guanylate cyclase 2D, retinal; plus strand). Cytogenetic location: 17p13.1.
Variant type: single nucleotide variant.
Coding change: c.323C>T on transcript NM_000180.4 (MANE Select); coding-DNA position 323, C replaced by T.
Protein change: p.Pro108Leu; replaces proline 108 with leucine.
Molecular consequence: missense variant.
Genome position (GRCh38, 1-based): chr17:8,003,370, C>T. VCF-style: chr17-8003370-C-T. GRCh37 (hg19) VCF-style: chr17-7906688-C-T.
Other names: short protein forms P108L.
Identifiers: ClinVar variation 1496451 (VCV001496451.6), dbSNP rs2151799367, ClinGen allele CA397943192.
Genomic context (GRCh38, chr17:8,003,370, plus strand): 5'-CCGGCCTGGCAGGCGGTCCCCGCTTCGAGGTAGCGCTGCTGCCCGAGCCTTGCCGGACGC[C>T]GGGCTCGCTGGGGGCCGTGTCCTCCGCGCTGGCCCGCGTGTCGGGCCTCGTGGGTCCGGT-3'
Protein context (NP_000171.1, residues 98-118): VALLPEPCRT[Pro108Leu]GSLGAVSSAL

ClinVar aggregate classification (germline): Uncertain significance (1 of 4 stars; one submission).

Conditions:
Cone-rod dystrophy 6 (CORD6). Also called: RETINAL CONE DYSTROPHY 2; Cone dystrophy progressive. Identifiers: Orphanet 1872, MedGen C1866293, MONDO:0011143, OMIM 601777.
Leber congenital amaurosis 1 (LCA1). Also called: RETINAL BLINDNESS, CONGENITAL; AMAUROSIS CONGENITA OF LEBER I; Congenital absence of the rods and cones; Leber's congenital tapetoretinal degeneration; Leber's congenital tapetoretinal dysplasia. Identifiers: Orphanet 65, MedGen C2931258, MONDO:0008764, OMIM 204000.

Submission:

Labcorp Genetics (formerly Invitae), Labcorp
Classification: Uncertain significance for Leber congenital amaurosis 1; Cone-rod dystrophy 6. Last evaluated: 2025-05-05. Review status: criteria provided, single submitter. Criteria: Invitae Variant Classification Sherloc (09022015). Collection method: clinical testing. Allele origin: germline.
Comment: This sequence change replaces proline, which is neutral and non-polar, with leucine, which is neutral and non-polar, at codon 108 of the GUCY2D protein (p.Pro108Leu). This variant is not present in population databases (gnomAD no frequency). This variant has not been reported in the literature in individuals affected with GUCY2D-related conditions. ClinVar contains an entry for this variant (Variation ID: 1496451). Invitae Evidence Modeling of protein sequence and biophysical properties (such as structural, functional, and spatial information, amino acid conservation, physicochemical variation, residue mobility, and thermodynamic stability) indicates that this missense variant is not expected to disrupt GUCY2D protein function with a negative predictive value of 80%. In summary, the available evidence is currently insufficient to determine the role of this variant in disease. Therefore, it has been classified as a Variant of Uncertain Significance.